The following is an entry in ClinVar:

ClinVar aggregate classification (germline): Uncertain significance. Review status: criteria provided, multiple submitters, no conflicts (2 of 4 stars). 2 submissions from 2 submitters: Uncertain significance (2). Last evaluated 2025-04-02.

Conditions:
Inborn genetic diseases. Identifiers: MedGen C0950123, MeSH D030342.

Allele frequency attached by ClinVar (database versions not stated): TOPMed 0.00001.

Submissions (2):

Ambry Genetics
Classification: Uncertain significance for Inborn genetic diseases. Last evaluated: 2025-04-02. Review status: criteria provided, single submitter. Criteria: Ambry Variant Classification Scheme 2023. Collection method: clinical testing. Allele origin: germline.

GeneDx
Classification: Uncertain significance. Last evaluated: 2020-10-15. Review status: criteria provided, single submitter. Criteria: GeneDx Variant Classification Process June 2021. Collection method: clinical testing. Allele origin: germline. Affected: yes.
Comment: Not observed in large population cohorts (Lek et al., 2016); In silico analysis supports that this missense variant does not alter protein structure/function; Has not been previously published as pathogenic or benign to our knowledge

NM_002025.4(AFF2):c.2219G>T (p.Gly740Val)

Gene: AFF2 (ALF transcription elongation factor 2; plus strand). Cytogenetic location: Xq28.
Variant type: single nucleotide variant.
Coding change: c.2219G>T on transcript NM_002025.4 (MANE Select); coding-DNA position 2219, G replaced by T.
Protein change: p.Gly740Val; replaces glycine 740 with valine.
Molecular consequence: missense variant.
Genome position (GRCh38, 1-based): chrX:148,956,264, G>T. VCF-style: chrX-148956264-G-T. GRCh37 (hg19) VCF-style: chrX-148037794-G-T.
Other names: c.2120G>T, p.Gly707Val (NM_001169122.2); c.2189G>T, p.Gly730Val (NM_001169123.2); c.2114G>T, p.Gly705Val (NM_001169124.2); c.2102G>T, p.Gly701Val (NM_001169125.2); c.1142G>T, p.Gly381Val (NM_001170628.1); c.2219G>T (NM_002025.3); short protein forms G381V, G701V, G705V, G707V, G730V, G740V.
Identifiers: ClinVar variation 1311667 (VCV001311667.3), dbSNP rs2072037719, ClinGen allele CA414514504.